The following is an entry in ClinVar:

ClinVar aggregate classification (germline): Likely pathogenic (1 of 4 stars; one submission).

Conditions:
Congenital contractural arachnodactyly (CCA). Also called: BEALS SYNDROME; Beals-Hecht syndrome; Arthrogryposis, distal, type 9. Identifiers: Orphanet 115, MedGen C0220668, MONDO:0007363, OMIM 121050.

Submission:

MVZ Medizinische Genetik Mainz
Classification: Likely pathogenic for Congenital contractural arachnodactyly. Last evaluated: 2023-06-26. Review status: criteria provided, single submitter. Criteria: UK Practice Guidelines For Variant Classification V4 01 2020. Collection method: clinical testing. Allele origin: germline. Inheritance: Autosomal dominant inheritance. Affected: yes. Observed: 1 variant allele.
Comment: ACMG Criteria: PM1_STR,PM2_SUP,PP3

NM_001999.4(FBN2):c.6248G>T (p.Cys2083Phe)

Gene: FBN2 (fibrillin 2; minus strand). Cytogenetic location: 5q23.3.
Variant type: single nucleotide variant.
Coding change: c.6248G>T on transcript NM_001999.4 (MANE Select); coding-DNA position 6248, G replaced by T.
Protein change: p.Cys2083Phe; replaces cysteine 2083 with phenylalanine.
Molecular consequence: missense variant.
Genome position (GRCh38, 1-based): chr5:128,291,573, C>A on the plus strand (G>T on the coding strand, the complement: FBN2 is on the minus strand). VCF-style: chr5-128291573-C-A. GRCh37 (hg19) VCF-style: chr5-127627265-C-A.
Other names: short protein forms C2083F.
Identifiers: ClinVar variation 3235959 (VCV003235959.1), dbSNP rs2479684419, ClinGen allele CA360764393.